The following is an entry in ClinVar:

NM_020762.4(SRGAP1):c.631C>T (p.Arg211Trp)

Gene: SRGAP1 (SLIT-ROBO Rho GTPase activating protein 1; plus strand). Cytogenetic location: 12q14.2.
Variant type: single nucleotide variant.
Coding change: c.631C>T on transcript NM_020762.4 (MANE Select); coding-DNA position 631, C replaced by T.
Protein change: p.Arg211Trp; replaces arginine 211 with tryptophan.
Molecular consequence: missense variant.
Genome position (GRCh38, 1-based): chr12:64,042,931, C>T. VCF-style: chr12-64042931-C-T. GRCh37 (hg19) VCF-style: chr12-64436711-C-T.
Other names: c.631C>T, p.Arg211Trp (NM_001346201.2); c.631C>T (NM_020762.3); short protein forms R211W.
Identifiers: ClinVar variation 2340851 (VCV002340851.3), dbSNP rs201075531, ClinGen allele CA6666427.

ClinVar aggregate classification (germline): Conflicting classifications of pathogenicity. Review status: criteria provided, conflicting classifications (1 of 4 stars). 2 submissions from 2 submitters: Uncertain significance (1); Likely benign (1). Last evaluated 2025-04-07.

Conditions:
SRGAP1-related disorder. Also called: SRGAP1-related condition.

Allele frequency attached by ClinVar (database versions not stated): ESP Exome Variant Server 0.00008; gnomAD 0.00017; ExAC 0.00019; TOPMed 0.00023; gnomAD exomes 0.00032.

Submissions (2):

PreventionGenetics, part of Exact Sciences
Classification: Likely benign for SRGAP1-related condition. Last evaluated: 2025-04-07. Review status: criteria provided, single submitter. Criteria: ACMG Guidelines, 2015. Collection method: clinical testing. Allele origin: germline.
Comment: This variant is classified as likely benign based on ACMG/AMP sequence variant interpretation guidelines (Richards et al. 2015 PMID: 25741868, with internal and published modifications).

Ambry Genetics
Classification: Uncertain significance. Last evaluated: 2024-03-19. Review status: criteria provided, single submitter. Criteria: Ambry Variant Classification Scheme 2023. Collection method: clinical testing. Allele origin: germline.